The following is an entry in ClinVar:

ClinVar aggregate classification (germline): Uncertain significance (1 of 4 stars; one submission).

Submission:

Labcorp Genetics (formerly Invitae), Labcorp
Classification: Uncertain significance. Last evaluated: 2022-06-09. Review status: criteria provided, single submitter. Criteria: Invitae Variant Classification Sherloc (09022015). Collection method: clinical testing. Allele origin: germline.
Comment: In summary, the available evidence is currently insufficient to determine the role of this variant in disease. Therefore, it has been classified as a Variant of Uncertain Significance. Algorithms developed to predict the effect of missense changes on protein structure and function (SIFT, PolyPhen-2, Align-GVGD) all suggest that this variant is likely to be disruptive. This variant has not been reported in the literature in individuals affected with RP1-related conditions. This variant is not present in population databases (gnomAD no frequency). This sequence change replaces isoleucine, which is neutral and non-polar, with threonine, which is neutral and polar, at codon 323 of the RP1 protein (p.Ile323Thr).

NM_006269.2(RP1):c.968T>C (p.Ile323Thr)

Gene: RP1 (RP1 axonemal microtubule associated; plus strand). Cytogenetic location: 8q12.1.
Variant type: single nucleotide variant.
Coding change: c.968T>C on transcript NM_006269.2 (MANE Select); coding-DNA position 968, T replaced by C.
Protein change: p.Ile323Thr; replaces isoleucine 323 with threonine.
Molecular consequence: missense variant. On other transcripts: intron variant (1).
Genome position (GRCh38, 1-based): chr8:54,624,850, T>C. VCF-style: chr8-54624850-T-C. GRCh37 (hg19) VCF-style: chr8-55537410-T-C.
Other names: c.787+2562T>C (NM_001375654.1); short protein forms I323T.
Identifiers: ClinVar variation 1966599 (VCV001966599.5), dbSNP rs2536567341, ClinGen allele CA370988989.